The following is an entry in ClinVar:

ClinVar aggregate classification (germline): Uncertain significance (1 of 4 stars; one submission).

gnomAD v4.1: 9 of 1,584,204 alleles (0.00057%); highest among the groups gnomAD compares: Middle Eastern, 0.017%; no homozygotes.

Submission:

Labcorp Genetics (formerly Invitae), Labcorp
Classification: Uncertain significance. Last evaluated: 2025-09-03. Review status: criteria provided, single submitter. Criteria: Invitae Variant Classification Sherloc (09022015). Collection method: clinical testing. Allele origin: germline.
Comment: This sequence change replaces arginine, which is basic and polar, with glycine, which is neutral and non-polar, at codon 207 of the DNAAF4 protein (p.Arg207Gly). This variant is not present in population databases (gnomAD no frequency). This variant has not been reported in the literature in individuals affected with DNAAF4-related conditions. Invitae Evidence Modeling of protein sequence and biophysical properties (such as structural, functional, and spatial information, amino acid conservation, physicochemical variation, residue mobility, and thermodynamic stability) indicates that this missense variant is not expected to disrupt DNAAF4 protein function with a negative predictive value of 80%. In summary, the available evidence is currently insufficient to determine the role of this variant in disease. Therefore, it has been classified as a Variant of Uncertain Significance.

NM_130810.4(DNAAF4):c.619A>G (p.Arg207Gly)

Genes: DNAAF4 (dynein axonemal assembly factor 4; minus strand), DNAAF4-CCPG1 (DNAAF4-CCPG1 readthrough (NMD candidate); minus strand). Cytogenetic location: 15q21.3.
Variant type: single nucleotide variant.
Coding change: c.619A>G on transcript NM_130810.4 (MANE Select); coding-DNA position 619, A replaced by G.
Protein change: p.Arg207Gly; replaces arginine 207 with glycine.
Molecular consequence: missense variant. On other transcripts: non-coding transcript variant (1).
Genome position (GRCh38, 1-based): chr15:55,466,948, T>C on the plus strand (A>G on the coding strand, the complement: DNAAF4 is on the minus strand). VCF-style: chr15-55466948-T-C. GRCh37 (hg19) VCF-style: chr15-55759146-T-C.
Other names: c.619A>G, p.Arg207Gly (NM_001033559.3, NM_001033560.2); short protein forms R207G.
Identifiers: ClinVar variation 4810162 (VCV004810162.1).